The following is an entry in ClinVar:

NM_006915.3(RP2):c.884-14G>A

Gene: RP2 (RP2 activator of ARL3 GTPase; plus strand). Cytogenetic location: Xp11.3.
Variant type: single nucleotide variant.
Coding change: c.884-14G>A on transcript NM_006915.3 (MANE Select); 14 bases into the intron before coding-DNA position 884, G replaced by A.
Molecular consequence: intron variant.
Genome position (GRCh38, 1-based): chrX:46,877,491, G>A. VCF-style: chrX-46877491-G-A. GRCh37 (hg19) VCF-style: chrX-46736926-G-A.
Identifiers: ClinVar variation 803988 (VCV000803988.10), dbSNP rs1602354996, ClinGen allele CA915951032.
Genomic context (GRCh38, chrX:46,877,491, plus strand): 5'-GGAAGAATAAAAAGATTAAATTTAGAATATATTTGTATTTGTGTTAAGAAAATGTTTCTT[G>A]GGTTTGCTTATAGGTCCTGTTATTGCCTTGGAGTTTAATGGGGATGGTGCTGTAGAAGTA-3'

ClinVar aggregate classification (germline): Conflicting classifications of pathogenicity. Review status: criteria provided, conflicting classifications (1 of 4 stars). 4 submissions from 4 submitters: Pathogenic (1); Uncertain significance (3). Last evaluated 2022-05-07.

Conditions:
Retinitis pigmentosa 2 (RP2). Also called: Retinitis pigmentosa 2, X linked. Identifiers: Orphanet 791, MedGen C2681923, MONDO:0010723, OMIM 312600.
Retinitis pigmentosa 3. Also called: CHOROIDORETINAL DEGENERATION WITH RETINAL REFLEX IN HETEROZYGOUS WOMEN. Identifiers: Orphanet 791, MedGen C1845667, MONDO:0010227, OMIM 300029.

Submissions (4):

Labcorp Genetics (formerly Invitae), Labcorp
Classification: Pathogenic. Last evaluated: 2022-05-07. Review status: criteria provided, single submitter. Criteria: Invitae Variant Classification Sherloc (09022015). Collection method: clinical testing. Allele origin: germline.
Comment: This variant is not present in population databases (gnomAD no frequency). This sequence change falls in intron 3 of the RP2 gene. It does not directly change the encoded amino acid sequence of the RP2 protein. This variant has been observed in individuals with RP2-related conditions (PMID: 32244552; Invitae). ClinVar contains an entry for this variant (Variation ID: 803988). Studies have shown that this variant is associated with altered splicing resulting in multiple RNA products (PMID: 32244552). For these reasons, this variant has been classified as Pathogenic.

DBGen Ocular Genomics
Classification: Uncertain significance for Retinitis pigmentosa 2. Last evaluated: 2021-06-22. Review status: criteria provided, single submitter. Criteria: ACMG Guidelines, 2015. Collection method: clinical testing. Allele origin: germline. Affected: yes. Observed: 1 variant allele.

Mendelics
Classification: Uncertain significance for Retinitis pigmentosa 3. Last evaluated: 2019-05-28. Review status: criteria provided, single submitter. Criteria: Mendelics Assertion Criteria 2017. Collection method: clinical testing. Allele origin: unknown.

Blueprint Genetics
Classification: Uncertain significance. Last evaluated: 2018-10-31. Review status: criteria provided, single submitter. Criteria: ACMG Guidelines, 2015. Collection method: clinical testing. Allele origin: germline.

Literature cited by the submitters: PubMed 32244552 (cited by Labcorp Genetics (formerly Invitae), Labcorp).